The following is an entry in ClinVar:

ClinVar aggregate classification (germline): Uncertain significance (1 of 4 stars; one submission).

Conditions:
Inborn genetic diseases. Identifiers: MedGen C0950123, MeSH D030342.

Submission:

Ambry Genetics
Classification: Uncertain significance for Inborn genetic diseases. Last evaluated: 2025-12-20. Review status: criteria provided, single submitter. Criteria: Ambry Variant Classification Scheme 2023. Collection method: clinical testing. Allele origin: germline.
Comment: The p.Q63R variant (also known as c.188A>G), located in coding exon 1 of the PIK3CA gene, results from an A to G substitution at nucleotide position 188. The glutamine at codon 63 is replaced by arginine, an amino acid with highly similar properties. This amino acid position is conserved. In addition, the in silico prediction for this alteration is inconclusive. Based on the available evidence, the clinical significance of this variant remains unclear.

NM_006218.4(PIK3CA):c.188A>G (p.Gln63Arg)

Gene: PIK3CA (phosphatidylinositol-4,5-bisphosphate 3-kinase catalytic subunit alpha; plus strand). Cytogenetic location: 3q26.32.
Variant type: single nucleotide variant.
Coding change: c.188A>G on transcript NM_006218.4 (MANE Select); coding-DNA position 188, A replaced by G.
Protein change: p.Gln63Arg; replaces glutamine 63 with arginine.
Molecular consequence: missense variant.
Genome position (GRCh38, 1-based): chr3:179,199,013, A>G. VCF-style: chr3-179199013-A-G. GRCh37 (hg19) VCF-style: chr3-178916801-A-G.
Other names: short protein forms Q63R.
Identifiers: ClinVar variation 4843779 (VCV004843779.1).
Genomic context (GRCh38, chr3:179,199,013, plus strand): 5'-TAACCATAAAGCATGAACTATTTAAAGAAGCAAGAAAATACCCCCTCCATCAACTTCTTC[A>G]AGATGAATCTTCTTACATTTTCGTAAGTGTTACTCAAGAAGCAGAAAGGGAAGAATTTTT-3'
Protein context (NP_006209.2, residues 53-73): ARKYPLHQLL[Gln63Arg]DESSYIFVSV